The following is an entry in ClinVar:

NM_000051.4(ATM):c.8126G>C (p.Gly2709Ala)

Genes: ATM (ATM serine/threonine kinase; plus strand), C11orf65 (chromosome 11 open reading frame 65; minus strand). Cytogenetic location: 11q22.3.
Variant type: single nucleotide variant.
Coding change: c.8126G>C on transcript NM_000051.4 (MANE Select); coding-DNA position 8126, G replaced by C.
Protein change: p.Gly2709Ala; replaces glycine 2709 with alanine.
Molecular consequence: missense variant. On other transcripts: intron variant (2).
Genome position (GRCh38, 1-based): chr11:108,335,084, G>C. VCF-style: chr11-108335084-G-C. GRCh37 (hg19) VCF-style: chr11-108205811-G-C.
Other names: c.8126G>C, p.Gly2709Ala (NM_001351834.2); c.641-26013C>G (NM_001330368.2); c.*38+136C>G (NM_001351110.2); short protein forms G2709A.
Identifiers: ClinVar variation 860203 (VCV000860203.10), dbSNP rs2086688845, ClinGen allele CA382562180.

ClinVar aggregate classification (germline): Uncertain significance (1 of 4 stars; one submission).

Conditions:
Ataxia-telangiectasia syndrome (AT). Also called: ATAXIA-TELANGIECTASIA, COMPLEMENTATION GROUP A; ATAXIA-TELANGIECTASIA, FRESNO VARIANT; Ataxia-telangiectasia; Ataxia-telangiectasia, complementation group D; AT, COMPLEMENTATION GROUP C; Ataxia-telangiectasia, complementation group E. Identifiers: Orphanet 100, MedGen C0004135, MONDO:0008840, OMIM 208900.

Submission:

Labcorp Genetics (formerly Invitae), Labcorp
Classification: Uncertain significance for Ataxia-telangiectasia syndrome. Last evaluated: 2019-01-13. Review status: criteria provided, single submitter. Criteria: Invitae Variant Classification Sherloc (09022015). Collection method: clinical testing. Allele origin: germline.
Comment: This sequence change replaces glycine with alanine at codon 2709 of the ATM protein (p.Gly2709Ala). The glycine residue is highly conserved and there is a small physicochemical difference between glycine and alanine. This variant is not present in population databases (ExAC no frequency). In summary, the available evidence is currently insufficient to determine the role of this variant in disease. Therefore, it has been classified as a Variant of Uncertain Significance. Algorithms developed to predict the effect of missense changes on protein structure and function (SIFT, PolyPhen-2, Align-GVGD) all suggest that this variant is likely to be disruptive, but these predictions have not been confirmed by published functional studies and their clinical significance is uncertain. This variant has not been reported in the literature in individuals with ATM-related conditions.